The following is an entry in ClinVar:

NM_002474.3(MYH11):c.4518C>G (p.Asn1506Lys)

Genes: NDE1 (nudE neurodevelopment protein 1; plus strand), MYH11 (myosin heavy chain 11; minus strand). Cytogenetic location: 16p13.11.
Variant type: single nucleotide variant.
Coding change: c.4518C>G on transcript NM_002474.3 (MANE Select); coding-DNA position 4518, C replaced by G.
Protein change: p.Asn1506Lys; replaces asparagine 1506 with lysine.
Molecular consequence: missense variant. On other transcripts: intron variant (2).
Genome position (GRCh38, 1-based): chr16:15,721,482, G>C on the plus strand (C>G on the coding strand, the complement: MYH11 is on the minus strand). VCF-style: chr16-15721482-G-C. GRCh37 (hg19) VCF-style: chr16-15815339-G-C.
Other names: c.4539C>G, p.Asn1513Lys (NM_001040113.2, NM_001040114.2); c.4518C>G, p.Asn1506Lys (NM_022844.3); c.948-2709G>C (NM_001143979.2, NM_017668.3); short protein forms N1506K, N1513K.
Identifiers: ClinVar variation 2773806 (VCV002773806.2), dbSNP rs775411322, ClinGen allele CA394855038.

ClinVar aggregate classification (germline): Uncertain significance (1 of 4 stars; one submission).

Conditions:
Familial thoracic aortic aneurysm and aortic dissection (TAAD). Also called: Thoracic aortic aneurysms and dissections. Identifiers: Orphanet 91387, MedGen C4707243, MONDO:0019625.

Submission:

Color Diagnostics, LLC DBA Color Health
Classification: Uncertain significance for Familial thoracic aortic aneurysm and aortic dissection. Last evaluated: 2024-03-06. Review status: criteria provided, single submitter. Criteria: ACMG Guidelines, 2015. Collection method: clinical testing. Allele origin: germline.
Comment: This missense variant replaces asparagine with lysine at codon 1513 of the MYH11 protein. Computational prediction tools indicate that this variant's impact on protein structure and function is inconclusive. To our knowledge, functional studies have not been reported for this variant. This variant has not been reported in individuals affected with MYH11-related disorders in the literature. This variant has not been identified in the general population by the Genome Aggregation Database (gnomAD). The available evidence is insufficient to determine the role of this variant in disease conclusively. Therefore, this variant is classified as a Variant of Uncertain Significance.